The following is an entry in ClinVar:

ClinVar aggregate classification (germline): Pathogenic (1 of 4 stars; one submission).

Submission:

Labcorp Genetics (formerly Invitae), Labcorp
Classification: Pathogenic. Last evaluated: 2024-05-15. Review status: criteria provided, single submitter. Criteria: Invitae Variant Classification Sherloc (09022015). Collection method: clinical testing. Allele origin: germline.
Comment: This sequence change creates a premature translational stop signal (p.Glu243*) in the ATP2C1 gene. It is expected to result in an absent or disrupted protein product. Loss-of-function variants in ATP2C1 are known to be pathogenic (PMID: 10615129, 10767338, 11841554). This variant is not present in population databases (gnomAD no frequency). This variant has not been reported in the literature in individuals affected with ATP2C1-related conditions. Algorithms developed to predict the effect of sequence changes on RNA splicing suggest that this variant may create or strengthen a splice site. For these reasons, this variant has been classified as Pathogenic.

Literature cited by the submitters: PubMed 10615129; PubMed 10767338; PubMed 11841554.

NM_001378687.1(ATP2C1):c.727G>T (p.Glu243Ter)

Gene: ATP2C1 (ATPase secretory pathway Ca2+ transporting 1; plus strand). Cytogenetic location: 3q22.1.
Variant type: single nucleotide variant.
Coding change: c.727G>T on transcript NM_001378687.1 (MANE Select); coding-DNA position 727, G replaced by T.
Protein change: p.Glu243Ter; replaces glutamic acid 243 with a stop codon.
Molecular consequence: nonsense.
Genome position (GRCh38, 1-based): chr3:130,955,051, G>T. VCF-style: chr3-130955051-G-T. GRCh37 (hg19) VCF-style: chr3-130673895-G-T.
Other names: c.727G>T, p.Glu243Ter (NM_001001485.3, NM_001001486.2, NM_001001487.2 and 5 more transcripts); c.829G>T, p.Glu277Ter (NM_001199180.2, NM_001199181.3, NM_001378511.1); c.712G>T, p.Glu238Ter (NM_001199182.2); c.679G>T, p.Glu227Ter (NM_001199183.2, NM_001199184.3, NM_001378514.1); short protein forms E243*, E277*, E227*, E238*.
Identifiers: ClinVar variation 3641488 (VCV003641488.2).